The following is an entry in ClinVar:

NM_021830.5(TWNK):c.625_626insCCTCCCCTGGGT (p.Trp208_Phe209insSerSerProGly)

Gene: TWNK (twinkle mtDNA helicase; plus strand). Cytogenetic location: 10q24.31.
Variant type: Insertion.
Coding change: c.625_626insCCTCCCCTGGGT on transcript NM_021830.5 (MANE Select); coding-DNA positions 625 to 626, CCTCCCCTGGGT inserted.
Protein change: p.Trp208_Phe209insSerSerProGly.
Molecular consequence: inframe insertion. On other transcripts: non-coding transcript variant (4), intron variant (3).
Genome position: GRCh38 VCF-style: chr10-100988832-T-TGGTCCTCCCCTG. GRCh37 (hg19) VCF-style: chr10-102748589-T-TGGTCCTCCCCTG.
Other names: c.625_626insCCTCCCCTGGGT, p.Trp208_Phe209insSerSerProGly (NM_001163812.2); c.-119-809_-119-808insCCTCCCCTGGGT (NM_001163814.2, NM_001163813.2); c.-57-871_-57-870insCCTCCCCTGGGT (NM_001368275.1).
Identifiers: ClinVar variation 2100712 (VCV002100712.4), dbSNP rs2493629656, ClinGen allele CA2580081109.

ClinVar aggregate classification (germline): Uncertain significance (1 of 4 stars; one submission).

Submission:

Labcorp Genetics (formerly Invitae), Labcorp
Classification: Uncertain significance. Last evaluated: 2023-10-03. Review status: criteria provided, single submitter. Criteria: Invitae Variant Classification Sherloc (09022015). Collection method: clinical testing. Allele origin: germline.
Comment: This variant, c.625_626insCCTCCCCTGGGT, results in the insertion of 4 amino acid(s) of the TWNK protein (p.Trp208_Phe209insSerSerProGly), but otherwise preserves the integrity of the reading frame. This variant is not present in population databases (gnomAD no frequency). This variant has not been reported in the literature in individuals affected with TWNK-related conditions. ClinVar contains an entry for this variant (Variation ID: 2100712). Experimental studies and prediction algorithms are not available or were not evaluated, and the functional significance of this variant is currently unknown. In summary, the available evidence is currently insufficient to determine the role of this variant in disease. Therefore, it has been classified as a Variant of Uncertain Significance.